The following is an entry in ClinVar:

ClinVar aggregate classification (germline): Uncertain significance (1 of 4 stars; one submission).

Conditions:
Wiskott-Aldrich syndrome (WAS). Also called: ALDRICH SYNDROME; IMMUNODEFICIENCY 2; WISKOTT-ALDRICH SYNDROME 1; Wiskott-aldrich syndrome, somatic. Identifiers: Orphanet 906, MedGen C0043194, MONDO:0010518, OMIM 301000.
X-linked severe congenital neutropenia (SCNX). Identifiers: Orphanet 86788, MedGen C1845987, MONDO:0010294, OMIM 300299.
Thrombocytopenia 1. Also called: X-linked thrombocytopenia with normal platelets; X-Linked Thrombocytopenia (XLT); THROMBOCYTOPENIA, X-LINKED, 1. Identifiers: Orphanet 268322, Orphanet 852, MedGen C1839163, MONDO:0010743, OMIM 313900.

Allele frequency attached by ClinVar (database versions not stated): TOPMed below 0.00001; gnomAD 0.00001; gnomAD exomes 0.00001; ExAC 0.00002.

Submission:

Labcorp Genetics (formerly Invitae), Labcorp
Classification: Uncertain significance for Wiskott-Aldrich syndrome; X-linked severe congenital neutropenia; Thrombocytopenia 1. Last evaluated: 2025-05-18. Review status: criteria provided, single submitter. Criteria: Invitae Variant Classification Sherloc (09022015). Collection method: clinical testing. Allele origin: germline.
Comment: This sequence change replaces leucine, which is neutral and non-polar, with phenylalanine, which is neutral and non-polar, at codon 434 of the WAS protein (p.Leu434Phe). The frequency data for this variant in the population databases is considered unreliable, as metrics indicate poor data quality at this position in the gnomAD database. This variant has not been reported in the literature in individuals affected with WAS-related conditions. ClinVar contains an entry for this variant (Variation ID: 1404684). Invitae Evidence Modeling of protein sequence and biophysical properties (such as structural, functional, and spatial information, amino acid conservation, physicochemical variation, residue mobility, and thermodynamic stability) indicates that this missense variant is not expected to disrupt WAS protein function with a negative predictive value of 80%. In summary, the available evidence is currently insufficient to determine the role of this variant in disease. Therefore, it has been classified as a Variant of Uncertain Significance.

NM_000377.3(WAS):c.1300C>T (p.Leu434Phe)

Gene: WAS (WASP actin nucleation promoting factor; plus strand). Cytogenetic location: Xp11.23.
Variant type: single nucleotide variant.
Coding change: c.1300C>T on transcript NM_000377.3 (MANE Select); coding-DNA position 1300, C replaced by T.
Protein change: p.Leu434Phe; replaces leucine 434 with phenylalanine.
Molecular consequence: missense variant.
Genome position (GRCh38, 1-based): chrX:48,689,028, C>T. VCF-style: chrX-48689028-C-T. GRCh37 (hg19) VCF-style: chrX-48547417-C-T.
Other names: short protein forms L434F.
Identifiers: ClinVar variation 1404684 (VCV001404684.4), dbSNP rs782605668, ClinGen allele CA10404070.